The following is an entry in ClinVar:

ClinVar aggregate classification (germline): Uncertain significance (1 of 4 stars; one submission).

Submissions (2):

Labcorp Genetics (formerly Invitae), Labcorp
Classification: Uncertain significance. Last evaluated: 2021-01-09. Review status: criteria provided, single submitter. Criteria: Invitae Variant Classification Sherloc (09022015). Collection method: clinical testing. Allele origin: germline.
Comment: In summary, the available evidence is currently insufficient to determine the role of this variant in disease. Therefore, it has been classified as a Variant of Uncertain Significance. Nucleotide substitutions within the consensus splice site are a relatively common cause of aberrant splicing (PMID: 17576681, 9536098). Algorithms developed to predict the effect of sequence changes on RNA splicing suggest that this variant may disrupt the consensus splice site, but this prediction has not been confirmed by published transcriptional studies. This variant has not been reported in the literature in individuals with GRIN2D-related conditions. This variant is not present in population databases (ExAC no frequency). This sequence change affects codon 527 of the GRIN2D mRNA. It is a 'silent' change, meaning that it does not change the encoded amino acid sequence of the GRIN2D protein. This variant also falls at the last nucleotide of exon 6, which is part of the consensus splice site for this exon.

Dr. Peter K. Rogan Lab, Western University
No classification provided (evidence only). Condition: Melanoma. Review status: no classification provided. Collection method: in vitro. Allele origin: not applicable. Functional consequence: retained intron. Not counted in ClinVar's aggregate classification.

Literature cited by the submitters: PubMed 17576681 (cited by Labcorp Genetics (formerly Invitae), Labcorp); PubMed 9536098 (cited by Labcorp Genetics (formerly Invitae), Labcorp).

NM_000836.4(GRIN2D):c.1581G>A (p.Glu527=)

Gene: GRIN2D (glutamate ionotropic receptor NMDA type subunit 2D; plus strand). Cytogenetic location: 19q13.33.
Variant type: single nucleotide variant.
Coding change: c.1581G>A on transcript NM_000836.4 (MANE Select); coding-DNA position 1581, G replaced by A.
Protein change: p.Glu527=; no amino-acid change (glutamic acid 527 retained).
Molecular consequence: synonymous variant.
Genome position (GRCh38, 1-based): chr19:48,415,032, G>A. VCF-style: chr19-48415032-G-A. GRCh37 (hg19) VCF-style: chr19-48918289-G-A.
Identifiers: ClinVar variation 1363837 (VCV001363837.7), dbSNP rs2147451651, ClinGen allele CA508037867.